The following is an entry in ClinVar:

ClinVar aggregate classification (germline): Uncertain significance. Review status: criteria provided, single submitter (1 of 4 stars). 2 submissions from 2 submitters: Uncertain significance (1). 1 of the submissions does not count toward it. Last evaluated 2021-03-24.

Conditions:
Glucose-6-phosphate transport defect (GSD1B). Also called: Glycogen Storage Disease Type Ib; GSD Ib. Identifiers: Orphanet 364, Orphanet 79259, MedGen C0268146, MONDO:0009288, OMIM 232220.

Allele frequency attached by ClinVar (database versions not stated): gnomAD exomes below 0.00001; ExAC 0.00001.

Submissions (2):

Labcorp Genetics (formerly Invitae), Labcorp
Classification: Uncertain significance for Glucose-6-phosphate transport defect. Last evaluated: 2021-03-24. Review status: criteria provided, single submitter. Criteria: Invitae Variant Classification Sherloc (09022015). Collection method: clinical testing. Allele origin: germline.
Comment: This sequence change replaces alanine with valine at codon 76 of the SLC37A4 protein (p.Ala76Val). The alanine residue is highly conserved and there is a small physicochemical difference between alanine and valine. This variant is present in population databases (rs782429783, ExAC 0.003%). This variant has not been reported in the literature in individuals with SLC37A4-related conditions. ClinVar contains an entry for this variant (Variation ID: 550220). Experimental studies and prediction algorithms are not available or were not evaluated, and the functional significance of this variant is currently unknown. In summary, the available evidence is currently insufficient to determine the role of this variant in disease. Therefore, it has been classified as a Variant of Uncertain Significance.

Counsyl
Classification: Uncertain significance for Glucose-6-phosphate transport defect. Last evaluated: 2017-01-04. Review status: no assertion criteria provided. Collection method: clinical testing. Allele origin: unknown. Not counted in ClinVar's aggregate classification.

NM_001164277.2(SLC37A4):c.227C>T (p.Ala76Val)

Gene: SLC37A4 (solute carrier family 37 member 4; minus strand). Cytogenetic location: 11q23.3.
Variant type: single nucleotide variant.
Coding change: c.227C>T on transcript NM_001164277.2 (MANE Select); coding-DNA position 227, C replaced by T.
Protein change: p.Ala76Val; replaces alanine 76 with valine.
Molecular consequence: missense variant.
Genome position (GRCh38, 1-based): chr11:119,028,348, G>A on the plus strand (C>T on the coding strand, the complement: SLC37A4 is on the minus strand). VCF-style: chr11-119028348-G-A. GRCh37 (hg19) VCF-style: chr11-118899058-G-A.
Other names: c.227C>T, p.Ala76Val (NM_001164278.2, NM_001164280.2, NM_001467.6); c.8C>T, p.Ala3Val (NM_001164279.2); short protein forms A76V, A3V.
Identifiers: ClinVar variation 550220 (VCV000550220.5), dbSNP rs782429783, ClinGen allele CA6311884.